The following is an entry in ClinVar:

ClinVar aggregate classification (germline): Uncertain significance. Review status: criteria provided, single submitter (1 of 4 stars). 2 submissions from 2 submitters: Uncertain significance (1). 1 of the submissions does not count toward it. Last evaluated 2025-05-22.

Conditions:
Hepatoblastoma. Identifiers: Orphanet 449, MedGen C0206624, MONDO:0018666, HP:0002884.
Baller-Gerold syndrome (BGS). Also called: CRANIOSYNOSTOSIS WITH RADIAL DEFECTS. Identifiers: Orphanet 1225, MedGen C0265308, MONDO:0009039, OMIM 218600.

Allele frequency attached by ClinVar (database versions not stated): gnomAD exomes below 0.00001; ExAC 0.00001; gnomAD 0.00001; TOPMed 0.00003.
gnomAD v4.1: 2 of 1,611,144 alleles (0.00012%); highest among the groups gnomAD compares: African/African-American, 0.0027%; no homozygotes.

Submissions (2):

Labcorp Genetics (formerly Invitae), Labcorp
Classification: Uncertain significance for Baller-Gerold syndrome. Last evaluated: 2025-05-22. Review status: criteria provided, single submitter. Criteria: Invitae Variant Classification Sherloc (09022015). Collection method: clinical testing. Allele origin: germline.
Comment: This sequence change replaces glycine, which is neutral and non-polar, with arginine, which is basic and polar, at codon 366 of the RECQL4 protein (p.Gly366Arg). This variant is present in population databases (rs763114749, gnomAD 0.007%). This variant has not been reported in the literature in individuals affected with RECQL4-related conditions. ClinVar contains an entry for this variant (Variation ID: 239691). Invitae Evidence Modeling of protein sequence and biophysical properties (such as structural, functional, and spatial information, amino acid conservation, physicochemical variation, residue mobility, and thermodynamic stability) indicates that this missense variant is not expected to disrupt RECQL4 protein function with a negative predictive value of 80%. In summary, the available evidence is currently insufficient to determine the role of this variant in disease. Therefore, it has been classified as a Variant of Uncertain Significance.

Molecular Oncology -  Human Genetics Lab, University of Sao Paulo
Classification: Likely pathogenic for Hepatoblastoma. Review status: no assertion criteria provided. Collection method: research. Allele origin: germline. Affected: yes. Not counted in ClinVar's aggregate classification.

NM_004260.4(RECQL4):c.1096G>C (p.Gly366Arg)

Gene: RECQL4 (RecQ like helicase 4; minus strand). Cytogenetic location: 8q24.3.
Variant type: single nucleotide variant.
Coding change: c.1096G>C on transcript NM_004260.4 (MANE Select); coding-DNA position 1096, G replaced by C.
Protein change: p.Gly366Arg; replaces glycine 366 with arginine.
Molecular consequence: missense variant.
Genome position (GRCh38, 1-based): chr8:144,516,023, C>G on the plus strand (G>C on the coding strand, the complement: RECQL4 is on the minus strand). VCF-style: chr8-144516023-C-G. GRCh37 (hg19) VCF-style: chr8-145741407-C-G.
Other names: short protein forms G366R.
Identifiers: ClinVar variation 239691 (VCV000239691.9), dbSNP rs763114749, ClinGen allele CA4949074.